The following is an entry in ClinVar:

ClinVar aggregate classification (germline): Uncertain significance (1 of 4 stars; one submission).

Conditions:
Dilated cardiomyopathy 1JJ (CMD1JJ). Identifiers: Orphanet 154, MedGen C3808935, MONDO:0014095, OMIM 615235.

Submission:

Labcorp Genetics (formerly Invitae), Labcorp
Classification: Uncertain significance for Dilated cardiomyopathy 1JJ. Last evaluated: 2025-04-09. Review status: criteria provided, single submitter. Criteria: Invitae Variant Classification Sherloc (09022015). Collection method: clinical testing. Allele origin: germline.
Comment: This sequence change replaces alanine, which is neutral and non-polar, with threonine, which is neutral and polar, at codon 143 of the LAMA4 protein (p.Ala143Thr). This variant is not present in population databases (gnomAD no frequency). This variant has not been reported in the literature in individuals affected with LAMA4-related conditions. ClinVar contains an entry for this variant (Variation ID: 3697347). Invitae Evidence Modeling of protein sequence and biophysical properties (such as structural, functional, and spatial information, amino acid conservation, physicochemical variation, residue mobility, and thermodynamic stability) indicates that this missense variant is not expected to disrupt LAMA4 protein function with a negative predictive value of 80%. In summary, the available evidence is currently insufficient to determine the role of this variant in disease. Therefore, it has been classified as a Variant of Uncertain Significance.

NM_001105206.3(LAMA4):c.427G>A (p.Ala143Thr)

Gene: LAMA4 (laminin subunit alpha 4; minus strand). Cytogenetic location: 6q21.
Variant type: single nucleotide variant.
Coding change: c.427G>A on transcript NM_001105206.3 (MANE Select); coding-DNA position 427, G replaced by A.
Protein change: p.Ala143Thr; replaces alanine 143 with threonine.
Molecular consequence: missense variant.
Genome position (GRCh38, 1-based): chr6:112,201,684, C>T on the plus strand (G>A on the coding strand, the complement: LAMA4 is on the minus strand). VCF-style: chr6-112201684-C-T. GRCh37 (hg19) VCF-style: chr6-112522885-C-T.
Other names: c.427G>A, p.Ala143Thr (NM_001105207.3, NM_002290.5); short protein forms A143T.
Identifiers: ClinVar variation 3697347 (VCV003697347.2).